The following is an entry in ClinVar:

NM_138691.3(TMC1):c.587A>G (p.Tyr196Cys)

Gene: TMC1 (transmembrane channel like 1; plus strand). Cytogenetic location: 9q21.13.
Variant type: single nucleotide variant.
Coding change: c.587A>G on transcript NM_138691.3 (MANE Select); coding-DNA position 587, A replaced by G.
Protein change: p.Tyr196Cys; replaces tyrosine 196 with cysteine.
Molecular consequence: missense variant.
Genome position (GRCh38, 1-based): chr9:72,751,901, A>G. VCF-style: chr9-72751901-A-G. GRCh37 (hg19) VCF-style: chr9-75366817-A-G.
Other names: short protein forms Y196C.
Identifiers: ClinVar variation 2574930 (VCV002574930.2), dbSNP rs1042818751, ClinGen allele CA193283660.
Genomic context (GRCh38, chr9:72,751,901, plus strand): 5'-TTGTAATAGGTCAGTTTGGCTCCTCAGTGGCCTCATACTTCCTCTTCTTGAGATGGATGT[A>G]TGGAGTCAATATGGTTCTCTTTATCCTGACATTTAGCCTCATCATGTTGCCAGAGGTGAG-3'
Protein context (NP_619636.2, residues 186-206): ASYFLFLRWM[Tyr196Cys]GVNMVLFILT

ClinVar aggregate classification (germline): Uncertain significance. Review status: criteria provided, multiple submitters, no conflicts (2 of 4 stars). 2 submissions from 2 submitters: Uncertain significance (2). Last evaluated 2025-06-20.

Conditions:
TMC1-related disorder. Also called: TMC1-related condition; TMC1-related disorders.

Allele frequency attached by ClinVar (database versions not stated): gnomAD 0.00001; gnomAD exomes 0.00001; TOPMed 0.00001.
gnomAD v4.1: 12 of 1,613,712 alleles (0.00074%); highest among the groups gnomAD compares: Non-Finnish European, 0.001%; no homozygotes.

Submissions (2):

PreventionGenetics, part of Exact Sciences
Classification: Uncertain significance for TMC1-related condition. Last evaluated: 2025-06-20. Review status: criteria provided, single submitter. Criteria: ACMG Guidelines, 2015. Collection method: clinical testing. Allele origin: germline.
Comment: The TMC1 c.587A>G variant is predicted to result in the amino acid substitution p.Tyr196Cys. To our knowledge, this variant has not been reported in the literature. This variant is reported in 0.00088% of alleles in individuals of European (Non-Finnish) descent in gnomAD. At this time, the clinical significance of this variant is uncertain due to the absence of conclusive functional and genetic evidence.

GeneDx
Classification: Uncertain significance. Last evaluated: 2023-02-06. Review status: criteria provided, single submitter. Criteria: GeneDx Variant Classification Process June 2021. Collection method: clinical testing. Allele origin: germline. Affected: yes.
Comment: Not observed at significant frequency in large population cohorts (gnomAD); In silico analysis supports that this missense variant has a deleterious effect on protein structure/function; Has not been previously published as pathogenic or benign to our knowledge